The following is an entry in ClinVar:

NM_015102.5(NPHP4):c.2257G>A (p.Asp753Asn)

Gene: NPHP4 (nephrocystin 4; minus strand). Cytogenetic location: 1p36.31.
Variant type: single nucleotide variant.
Coding change: c.2257G>A on transcript NM_015102.5 (MANE Select); coding-DNA position 2257, G replaced by A.
Protein change: p.Asp753Asn; replaces aspartic acid 753 with asparagine.
Molecular consequence: missense variant. On other transcripts: non-coding transcript variant (1).
Genome position (GRCh38, 1-based): chr1:5,890,915, C>T on the plus strand (G>A on the coding strand, the complement: NPHP4 is on the minus strand). VCF-style: chr1-5890915-C-T. GRCh37 (hg19) VCF-style: chr1-5950975-C-T.
Other names: p.Asp753Asn; c.718G>A, p.Asp240Asn (NM_001291593.2); c.721G>A, p.Asp241Asn (NM_001291594.2); short protein forms D753N, D240N, D241N.
Identifiers: ClinVar variation 194764 (VCV000194764.32), dbSNP rs148424288, ClinGen allele CA334827.

ClinVar aggregate classification (germline): Conflicting classifications of pathogenicity. Review status: criteria provided, conflicting classifications (1 of 4 stars). 14 submissions from 13 submitters: Uncertain significance (1); Benign (4); Likely benign (5). 4 of the submissions do not count toward it. Last evaluated 2026-08-01.

Conditions:
Kidney disorder. Also called: renal disorder; renal disease; Nephropathy; Kidney disease; Kidney Diseases. Identifiers: MedGen C0022658, MONDO:0005240, HP:0000112.
Nephronophthisis. Also called: Juvenile Nephronophthisis. Identifiers: Orphanet 655, MedGen C0687120, MONDO:0019005, HP:0000090.
Senior-Loken syndrome 4 (SLSN4). Identifiers: Orphanet 3156, MedGen C1846979, MONDO:0011756, OMIM 606996.
Nephronophthisis 4 (NPHP4). Also called: NEPHRONOPHTHISIS 4, JUVENILE. Identifiers: Orphanet 655, MedGen C1847013, MONDO:0011752, OMIM 606966.

Allele frequency attached by ClinVar (database versions not stated): gnomAD exomes 0.00074; ExAC 0.00100; ESP Exome Variant Server 0.00266; 1000 Genomes Project 0.00319; TOPMed 0.00325; 1000 Genomes Project 30x 0.00406.
gnomAD v4.1: 921 of 1,610,448 alleles (0.057%); highest among the groups gnomAD compares: African/African-American, 1.1%; 6 homozygotes.

Submissions (14):

CeGaT Center for Human Genetics Tuebingen
Classification: Benign. Last evaluated: 2026-08-01. Review status: criteria provided, single submitter. Criteria: CeGaT Center For Human Genetics Tuebingen Variant Classification Criteria Version 2. Collection method: clinical testing. Allele origin: germline. Affected: yes. Observed: 1 variant allele.
Comment: NPHP4: BS1, BS2

Labcorp Genetics (formerly Invitae), Labcorp
Classification: Benign for Nephronophthisis. Last evaluated: 2026-01-22. Review status: criteria provided, single submitter. Criteria: Invitae Variant Classification Sherloc (09022015). Collection method: clinical testing. Allele origin: germline.

Mayo Clinic Laboratories, Mayo Clinic
Classification: Likely benign. Last evaluated: 2025-08-28. Review status: criteria provided, single submitter. Criteria: ACMG Guidelines, 2015. Collection method: clinical testing. Allele origin: germline. Observed: 3 variant alleles.
Comment: BA1, PP3_moderate

Blueprint Genetics
Classification: Likely benign. Last evaluated: 2024-09-09. Review status: criteria provided, single submitter. Criteria: ACMG Guidelines, 2015. Collection method: clinical testing. Allele origin: germline.

Genomic Medicine Center of Excellence, King Faisal Specialist Hospital and Research Centre
Classification: Likely benign for Nephronophthisis 4. Last evaluated: 2024-03-29. Review status: criteria provided, single submitter. Criteria: ACMG Guidelines, 2015. Collection method: clinical testing. Allele origin: germline.

Illumina Laboratory Services, Illumina
Classification: Likely benign for Nephronophthisis 4. Last evaluated: 2018-01-13. Review status: criteria provided, single submitter. Criteria: ICSL Variant Classification Criteria 13 December 2019. Collection method: clinical testing. Allele origin: germline.
Comment: This variant was observed in the ICSL laboratory as part of a predisposition screen in an ostensibly healthy population. It had not been previously curated by ICSL or reported in the Human Gene Mutation Database (HGMD: prior to June 1st, 2018), and was therefore a candidate for classification through an automated scoring system. Utilizing variant allele frequency, disease prevalence and penetrance estimates, and inheritance mode, an automated score was calculated to assess if this variant is too frequent to cause the disease. Based on the score and internal cut-off values, a variant classified as likely benign is not then subjected to further curation. The score for this variant resulted in a classification of likely benign for this disease.

Illumina Laboratory Services, Illumina
Classification: Benign for Senior-Loken syndrome 4. Last evaluated: 2018-01-13. Review status: criteria provided, single submitter. Criteria: ICSL Variant Classification Criteria 13 December 2019. Collection method: clinical testing. Allele origin: germline.
Comment: This variant was observed in the ICSL laboratory as part of a predisposition screen in an ostensibly healthy population. It had not been previously curated by ICSL or reported in the Human Gene Mutation Database (HGMD: prior to June 1st, 2018), and was therefore a candidate for classification through an automated scoring system. Utilizing variant allele frequency, disease prevalence and penetrance estimates, and inheritance mode, an automated score was calculated to assess if this variant is too frequent to cause the disease. Based on the score and internal cut-off values, a variant classified as benign is not then subjected to further curation. The score for this variant resulted in a classification of benign for this disease.

Genome Diagnostics Laboratory, The Hospital for Sick Children
Classification: Uncertain significance for Kidney disorder. Last evaluated: 2017-02-13. Review status: criteria provided, single submitter. Criteria: ACMG Guidelines, 2015. Collection method: clinical testing. Allele origin: germline.

Eurofins Ntd Llc (ga)
Classification: Benign. Last evaluated: 2014-10-07. Review status: criteria provided, single submitter. Criteria: EGL Classification Definitions 2015. Collection method: clinical testing. Allele origin: germline. Observed: 1 variant allele, 1 heterozygote.

Breakthrough Genomics
Classification: Likely benign. Review status: criteria provided, single submitter. Criteria: ACMG Guidelines, 2015. Collection method: not provided. Allele origin: germline. Inheritance: Autosomal recessive inheritance. Affected: yes.

Clinical Genetics DNA and cytogenetics Diagnostics Lab, Erasmus MC, Erasmus Medical Center
Classification: Benign. Review status: no assertion criteria provided. Collection method: clinical testing. Allele origin: germline. Affected: yes. Study: VKGL Data-share Consensus. Not counted in ClinVar's aggregate classification.

Clinical Genetics, Academic Medical Center
Classification: Benign. Review status: no assertion criteria provided. Collection method: clinical testing. Allele origin: germline. Affected: yes. Study: VKGL Data-share Consensus. Not counted in ClinVar's aggregate classification.

Genome Diagnostics Laboratory, University Medical Center Utrecht
Classification: Benign. Review status: no assertion criteria provided. Collection method: clinical testing. Allele origin: germline. Affected: yes. Study: VKGL Data-share Consensus. Not counted in ClinVar's aggregate classification.

Laboratory of Diagnostic Genome Analysis, Leiden University Medical Center (LUMC)
Classification: Likely benign. Review status: no assertion criteria provided. Collection method: clinical testing. Allele origin: germline. Affected: yes. Study: VKGL Data-share Consensus. Not counted in ClinVar's aggregate classification.

Literature cited by the submitters: PubMed 37230223 (cited by Mayo Clinic Laboratories, Mayo Clinic).